The following is an entry in ClinVar:

ClinVar aggregate classification (germline): Pathogenic (1 of 4 stars; one submission).

Submission:

Labcorp Genetics (formerly Invitae), Labcorp
Classification: Pathogenic. Last evaluated: 2022-04-03. Review status: criteria provided, single submitter. Criteria: Invitae Variant Classification Sherloc (09022015). Collection method: clinical testing. Allele origin: germline.
Comment: This variant has not been reported in the literature in individuals affected with DMXL2-related conditions. This variant is not present in population databases (gnomAD no frequency). This sequence change creates a premature translational stop signal (p.Phe1146Cysfs*9) in the DMXL2 gene. It is expected to result in an absent or disrupted protein product. Loss-of-function variants in DMXL2 are known to be pathogenic (PMID: 30237576, 31688942). For these reasons, this variant has been classified as Pathogenic.

Literature cited by the submitters: PubMed 30237576; PubMed 31688942.

NM_001378457.1(DMXL2):c.3437_3440del (p.Phe1146fs)

Gene: DMXL2 (Dmx like 2; minus strand). Cytogenetic location: 15q21.2.
Variant type: Deletion.
Coding change: c.3437_3440del on transcript NM_001378457.1 (MANE Select); coding-DNA positions 3437 to 3440, 4 bases deleted (TTGT; older notation c.3437_3440delTTGT).
Protein change: p.Phe1146fs; shifts the reading frame from phenylalanine 1146.
Molecular consequence: frameshift variant. On other transcripts: non-coding transcript variant (2), intron variant (2).
Genome position (GRCh38, 1-based): chr15:51,499,784-51,499,787, ACAA deleted on the plus strand (TTGT on the coding strand, the reverse complement: DMXL2 is on the minus strand); deleting any 4 consecutive bases within chr15:51,499,784-51,499,790 gives the same sequence; the c. name uses the placement nearest the transcript's 3' end. VCF-style (leftmost placement, unchanged base first): chr15-51499783-CACAA-C. GRCh37 (hg19) VCF-style: chr15-51791980-CACAA-C.
Other names: c.3437_3440del, p.Phe1146fs (NM_001174116.3, NM_001378458.1, NM_001378459.1 and 4 more transcripts); c.3197_3200del, p.Phe1066fs (NM_001378464.1); c.2764+7347_2764+7350del (NM_001378460.1); c.2765-4653_2765-4650del (NM_001174117.3); short protein forms F1066fs, F1146fs.
Identifiers: ClinVar variation 2121098 (VCV002121098.4), dbSNP rs2548508883, ClinGen allele CA2580089762.
Genomic context (GRCh38, chr15:51,499,783, plus strand): 5'-ATGTTTGATATTCGGAATAAGATATCTATCCTTGCTCAAGAGTGCATCTGACTTGCTATA[CACAA>C]ACAGATTACTGTCGACGCTGACCCTTGAATCAAGTACACTCCCAACCTTAACCAAATCAT-3'